The following is an entry in ClinVar:

ClinVar aggregate classification (germline): Likely pathogenic (1 of 4 stars; one submission).

Conditions:
Rare genetic deafness. Identifiers: Orphanet 96210, MedGen C5680250.

Submission:

Laboratory for Molecular Medicine, Mass General Brigham Personalized Medicine
Classification: Likely pathogenic for Rare genetic deafness. Last evaluated: 2013-09-29. Review status: criteria provided, single submitter. Criteria: LMM Criteria. Collection method: clinical testing. Allele origin: germline. Observed: 1 variant allele.
Comment: The exon 11 deletion variant in ESRRB has not been reported in individuals with hearing loss or in large population studies. This variant results in the deletio n of the last coding exon of the ESRRB gene which is predicted to lead to a loss of the last 8 amino acids and a truncated or absent protein. To date, only one other loss of function variant in ESRRB has been reported in a family with reces sive profound sensorineural hearing loss (Collin 2008), therefore, loss of funct ion of the ESRRB gene is likely causative of hearing loss, however additional da ta is needed to establish this is a disease mechanism. In summary, this variant is likely pathogenic, though additional studies are required to fully establish its clinical significance.

Literature cited by the submitters: PubMed 18179891.

NM_004452.3(ESRRB):c.(?_1501)_(1527_?)del (p.?)

Gene: ESRRB (estrogen related receptor beta; plus strand). Cytogenetic location: 14q24.3.
Variant type: Deletion.
Coding change: c.(?_1501)_(1527_?)del on transcript NM_004452.3; a large deletion whose breakpoints are not mapped to the base.
Identifiers: ClinVar variation 163415 (VCV000163415.4).